The following is an entry in ClinVar:

ClinVar aggregate classification (germline): Likely benign. Review status: criteria provided, multiple submitters, no conflicts (2 of 4 stars). 4 submissions from 4 submitters: Likely benign (4). Last evaluated 2024-09-03.

Conditions:
Cardiomyopathy (CMYO). Also called: Cardiomyopathies. Identifiers: Orphanet 167848, MedGen C0878544, MONDO:0004994, HP:0001638. Inheritance: Various modes of inheritance.
Hypertrophic cardiomyopathy. Also called: HYPERTROPHIC MYOCARDIOPATHY. Identifiers: Orphanet 217569, MedGen C0007194, MeSH D002312, MONDO:0005045, HP:0001639.

Allele frequency attached by ClinVar (database versions not stated): TOPMed below 0.00001; gnomAD 0.00017 and 0.00019.

Submissions (4):

Blueprint Genetics
Classification: Likely benign. Last evaluated: 2024-09-03. Review status: criteria provided, single submitter. Criteria: ACMG Guidelines, 2015. Collection method: clinical testing. Allele origin: germline.

All of Us Research Program, National Institutes of Health
Classification: Likely benign for Cardiomyopathy. Last evaluated: 2023-11-30. Review status: criteria provided, single submitter. Criteria: ACMG Guidelines, 2015. Collection method: clinical testing. Allele origin: germline. Inheritance: Autosomal dominant inheritance. Observed: 2 variant alleles, 2 heterozygotes.
Comment: This study involves interpretation of variants in research participants for the purpose of population health screening. Participant phenotype was not available at the time of variant classification. Additional details can be found in publication PMID: 35346344, PMCID: PMC8962531

Color Diagnostics, LLC DBA Color Health
Classification: Likely benign for Cardiomyopathy. Last evaluated: 2022-11-06. Review status: criteria provided, single submitter. Criteria: ACMG Guidelines, 2015. Collection method: clinical testing. Allele origin: germline.

Labcorp Genetics (formerly Invitae), Labcorp
Classification: Likely benign for Hypertrophic cardiomyopathy. Last evaluated: 2022-01-11. Review status: criteria provided, single submitter. Criteria: Invitae Variant Classification Sherloc (09022015). Collection method: clinical testing. Allele origin: germline.

NM_000257.4(MYH7):c.4353+3G>T

Genes: MHRT (myosin heavy chain associated RNA transcript; plus strand), MYH7 (myosin heavy chain 7; minus strand). Cytogenetic location: 14q11.2.
Variant type: single nucleotide variant.
Coding change: c.4353+3G>T on transcript NM_000257.4 (MANE Select); 3 bases into the intron after coding-DNA position 4353, G replaced by T.
Molecular consequence: intron variant.
Genome position (GRCh38, 1-based): chr14:23,417,500, C>A on the plus strand (G>T on the coding strand, the complement: MYH7 is on the minus strand). VCF-style: chr14-23417500-C-A. GRCh37 (hg19) VCF-style: chr14-23886709-C-A.
Identifiers: ClinVar variation 1539607 (VCV001539607.10), dbSNP rs767518107, ClinGen allele CA041823.